The following is an entry in ClinVar:

ClinVar aggregate classification (germline): Uncertain significance (1 of 4 stars; one submission).

Conditions:
Cardiac arrhythmia. Also called: Cardiac rhythm disease; Arrhythmia. Identifiers: MedGen C0003811, MONDO:0007263, HP:0011675.

Submission:

Labcorp Genetics (formerly Invitae), Labcorp
Classification: Uncertain significance for Cardiac arrhythmia. Last evaluated: 2022-02-04. Review status: criteria provided, single submitter. Criteria: Invitae Variant Classification Sherloc (09022015). Collection method: clinical testing. Allele origin: germline.
Comment: In summary, the available evidence is currently insufficient to determine the role of this variant in disease. Therefore, it has been classified as a Variant of Uncertain Significance. Algorithms developed to predict the effect of missense changes on protein structure and function (SIFT, PolyPhen-2, Align-GVGD) all suggest that this variant is likely to be disruptive. This variant has not been reported in the literature in individuals affected with RANGRF-related conditions. This variant is not present in population databases (gnomAD no frequency). This sequence change replaces valine, which is neutral and non-polar, with glycine, which is neutral and non-polar, at codon 31 of the RANGRF protein (p.Val31Gly).

NM_016492.5(RANGRF):c.92T>G (p.Val31Gly)

Genes: RANGRF (RAN guanine nucleotide release factor; plus strand), SLC25A35 (solute carrier family 25 member 35; minus strand), LOC130060241 (ATAC-STARR-seq lymphoblastoid active region 11693; plus strand). Cytogenetic location: 17p13.1.
Variant type: single nucleotide variant.
Coding change: c.92T>G on transcript NM_016492.5 (MANE Select); coding-DNA position 92, T replaced by G.
Protein change: p.Val31Gly; replaces valine 31 with glycine.
Molecular consequence: missense variant. On other transcripts: 3 prime UTR variant (2), non-coding transcript variant (2), intron variant (1).
Genome position (GRCh38, 1-based): chr17:8,288,970, T>G. VCF-style: chr17-8288970-T-G. GRCh37 (hg19) VCF-style: chr17-8192288-T-G.
Other names: c.92T>G, p.Val31Gly (NM_001177801.2, NM_001177802.2, NM_001330127.2); c.*513A>C (NM_001320872.2); c.*646A>C (NM_201520.3); c.*43-538A>C (NM_001320871.2); short protein forms V31G.
Identifiers: ClinVar variation 2092901 (VCV002092901.4), dbSNP rs2543865295, ClinGen allele CA397994015.